The following is an entry in ClinVar:

ClinVar aggregate classification (germline): Benign/Likely benign. Review status: criteria provided, multiple submitters, no conflicts (2 of 4 stars). 3 submissions from 3 submitters: Benign (1); Likely benign (2). Last evaluated 2026-04-23.

Conditions:
Colorectal cancer, susceptibility to, 1. Also called: COLORECTAL ADENOMA AND CANCER, SUSCEPTIBILITY TO; COLORECTAL CANCER, SUSCEPTIBILITY TO, ON CHROMOSOME 9. Identifiers: MedGen C1837315, MONDO:0012132, OMIM 608812.

Allele frequency attached by ClinVar (database versions not stated): TOPMed below 0.00001.
gnomAD v4.1: 2 of 1,581,258 alleles (0.00013%); highest among the groups gnomAD compares: Non-Finnish European, 0.00017%; no homozygotes.

Submissions (3):

Myriad Genetics, Inc.
Classification: Benign for Colorectal cancer, susceptibility to, 1. Last evaluated: 2026-04-23. Review status: criteria provided, single submitter. Criteria: Myriad Autosomal Dominant, Autosomal Recessive and X-Linked Classification Criteria (2023). Collection method: clinical testing. Allele origin: unknown.
Comment: This variant is considered benign. This variant is a silent/synonymous amino acid change and it is not expected to impact splicing.

Labcorp Genetics (formerly Invitae), Labcorp
Classification: Likely benign. Last evaluated: 2023-04-30. Review status: criteria provided, single submitter. Criteria: Invitae Variant Classification Sherloc (09022015). Collection method: clinical testing. Allele origin: germline.

Ambry Genetics
Classification: Likely benign. Last evaluated: 2019-11-14. Review status: criteria provided, single submitter. Criteria: Ambry Variant Classification Scheme 2023. Collection method: clinical testing. Allele origin: germline.

NM_024642.5(GALNT12):c.354C>G (p.Pro118=)

Gene: GALNT12 (polypeptide N-acetylgalactosaminyltransferase 12; plus strand). Cytogenetic location: 9q22.33.
Variant type: single nucleotide variant.
Coding change: c.354C>G on transcript NM_024642.5 (MANE Select); coding-DNA position 354, C replaced by G.
Protein change: p.Pro118=; no amino-acid change (proline 118 retained).
Molecular consequence: synonymous variant.
Genome position (GRCh38, 1-based): chr9:98,808,052, C>G. VCF-style: chr9-98808052-C-G. GRCh37 (hg19) VCF-style: chr9-101570334-C-G.
Identifiers: ClinVar variation 772423 (VCV000772423.12), dbSNP rs538612614, ClinGen allele CA466647746.
Genomic context (GRCh38, chr9:98,808,052, plus strand): 5'-GCGGCTGCACCAGATTAACATCTACCTCAGCGACCGCATCTCACTGCACCGCCGCCTGCC[C>G]GAGCGCTGGAACCCGCTGTGAGTGCACAGCTCTGGGGAGGAAGCCCGCCCTCAGAGCCCC-3'
Protein context (NP_078918.3, residues 108-128): SDRISLHRRL[Pro118=]ERWNPLCKEK